The following is an entry in ClinVar:

ClinVar aggregate classification (germline): Uncertain significance (1 of 4 stars; one submission).

Conditions:
Inborn genetic diseases. Identifiers: MedGen C0950123, MeSH D030342.

gnomAD v4.1: 2 of 1,613,740 alleles (0.00012%); highest among the groups gnomAD compares: Non-Finnish European, 0.00017%; no homozygotes.

Submission:

Ambry Genetics
Classification: Uncertain significance for Inborn genetic diseases. Last evaluated: 2021-04-28. Review status: criteria provided, single submitter. Criteria: Ambry Variant Classification Scheme 2023. Collection method: clinical testing. Allele origin: germline.
Comment: The c.7625G>C (p.S2542T) alteration is located in exon 38 (coding exon 38) of the DYNC1H1 gene. This alteration results from a G to C substitution at nucleotide position 7625, causing the serine (S) at amino acid position 2542 to be replaced by a threonine (T). The p.S2542T alteration is predicted to be tolerated by in silico analysis. Based on insufficient or conflicting evidence, the clinical significance of this alteration remains unclear.

NM_001376.5(DYNC1H1):c.7625G>C (p.Ser2542Thr)

Gene: DYNC1H1 (dynein cytoplasmic 1 heavy chain 1; plus strand). Cytogenetic location: 14q32.31.
Variant type: single nucleotide variant.
Coding change: c.7625G>C on transcript NM_001376.5 (MANE Select); coding-DNA position 7625, G replaced by C.
Protein change: p.Ser2542Thr; replaces serine 2542 with threonine.
Molecular consequence: missense variant.
Genome position (GRCh38, 1-based): chr14:102,016,776, G>C. VCF-style: chr14-102016776-G-C. GRCh37 (hg19) VCF-style: chr14-102483113-G-C.
Other names: short protein forms S2542T.
Identifiers: ClinVar variation 2230101 (VCV002230101.2), dbSNP rs769101846, ClinGen allele CA7352869.
Genomic context (GRCh38, chr14:102,016,776, plus strand): 5'-AGGAGGCACCTTGGTTGCAGCCGGACTCACACTTCCATCTCCGTGTGTAGGTGTCCATCA[G>C]CGGAGAATGGTCTCCGTGGCAGGCCAAGGTGCCTCAGATTGAAGTGGAGACGCACAAGGT-3'
Protein context (NP_001367.2, residues 2532-2552): IPIIDYEVSI[Ser2542Thr]GEWSPWQAKV